The following is an entry in ClinVar:

NM_002474.3(MYH11):c.259G>A (p.Val87Met)

Gene: MYH11 (myosin heavy chain 11; minus strand). Cytogenetic location: 16p13.11.
Variant type: single nucleotide variant.
Coding change: c.259G>A on transcript NM_002474.3 (MANE Select); coding-DNA position 259, G replaced by A.
Protein change: p.Val87Met; replaces valine 87 with methionine.
Molecular consequence: missense variant.
Genome position (GRCh38, 1-based): chr16:15,837,994, C>T on the plus strand (G>A on the coding strand, the complement: MYH11 is on the minus strand). VCF-style: chr16-15837994-C-T. GRCh37 (hg19) VCF-style: chr16-15931851-C-T.
Other names: c.259G>A, p.Val87Met (NM_001040113.2, NM_001040114.2, NM_022844.3); short protein forms V87M.
Identifiers: ClinVar variation 2625323 (VCV002625323.2), dbSNP rs1488968785, ClinGen allele CA395198322.

ClinVar aggregate classification (germline): Uncertain significance (1 of 4 stars; one submission).

Conditions:
Familial thoracic aortic aneurysm and aortic dissection (TAAD). Also called: Thoracic aortic aneurysms and dissections. Identifiers: Orphanet 91387, MedGen C4707243, MONDO:0019625.

Allele frequency attached by ClinVar (database versions not stated): gnomAD 0.00001; TOPMed 0.00001.
gnomAD v4.1: 2 of 1,614,084 alleles (0.00012%); highest among the groups gnomAD compares: African/African-American, 0.0027%; no homozygotes.

Submission:

Ambry Genetics
Classification: Uncertain significance for Familial thoracic aortic aneurysm and aortic dissection. Last evaluated: 2023-07-12. Review status: criteria provided, single submitter. Criteria: Ambry Variant Classification Scheme 2023. Collection method: clinical testing. Allele origin: germline.
Comment: The p.V87M variant (also known as c.259G>A), located in coding exon 1 of the MYH11 gene, results from a G to A substitution at nucleotide position 259. The valine at codon 87 is replaced by methionine, an amino acid with highly similar properties. This amino acid position is conserved. In addition, this alteration is predicted to be deleterious by in silico analysis. Since supporting evidence is limited at this time, the clinical significance of this alteration remains unclear.